The following is an entry in ClinVar:

ClinVar aggregate classification (germline): Likely benign. Review status: criteria provided, multiple submitters, no conflicts (2 of 4 stars). 3 submissions from 3 submitters: Likely benign (3). Last evaluated 2026-03-02.

Conditions:
SLC2A9-related disorder. Also called: SLC2A9-related condition.
Hypouricemia, renal, 2. Also called: HYPOURICEMIA, RENAL, 2, AUTOSOMAL DOMINANT; HYPOURICEMIA, RENAL, 2, AUTOSOMAL RECESSIVE. Identifiers: MedGen C2677549, MONDO:0012793, OMIM 612076.

Allele frequency attached by ClinVar (database versions not stated): TOPMed 0.00045; 1000 Genomes Project 30x 0.00047; gnomAD 0.00054 and 0.00058; 1000 Genomes Project 0.00060; ESP Exome Variant Server 0.00077; gnomAD exomes 0.00006 and 0.00010; ExAC 0.00015.
gnomAD v4.1: 175 of 1,614,244 alleles (0.011%); highest among the groups gnomAD compares: African/African-American, 0.17%; 1 homozygote.

Submissions (3):

PreventionGenetics, part of Exact Sciences
Classification: Likely benign for SLC2A9-related condition. Last evaluated: 2026-03-02. Review status: criteria provided, single submitter. Criteria: ACMG Guidelines, 2015. Collection method: clinical testing. Allele origin: germline.
Comment: This variant is classified as likely benign based on ACMG/AMP sequence variant interpretation guidelines (Richards et al. 2015 PMID: 25741868, with internal and published modifications).

Labcorp Genetics (formerly Invitae), Labcorp
Classification: Likely benign. Last evaluated: 2025-06-17. Review status: criteria provided, single submitter. Criteria: Invitae Variant Classification Sherloc (09022015). Collection method: clinical testing. Allele origin: germline.

Fulgent Genetics
Classification: Likely benign for Hypouricemia, renal, 2. Last evaluated: 2021-12-10. Review status: criteria provided, single submitter. Criteria: ACMG Guidelines, 2015. Collection method: clinical testing. Allele origin: unknown.

NM_020041.3(SLC2A9):c.30G>A (p.Lys10=)

Genes: SLC2A9 (solute carrier family 2 member 9; minus strand), SLC2A9-AS3 (SLC2A9 antisense RNA 3; plus strand). Cytogenetic location: 4p16.1.
Variant type: single nucleotide variant.
Coding change: c.30G>A on transcript NM_020041.3 (MANE Select); coding-DNA position 30, G replaced by A.
Protein change: p.Lys10=; no amino-acid change (lysine 10 retained).
Molecular consequence: synonymous variant. On other transcripts: intron variant (1).
Genome position (GRCh38, 1-based): chr4:10,021,400, C>T on the plus strand (G>A on the coding strand, the complement: SLC2A9 is on the minus strand). VCF-style: chr4-10021400-C-T. GRCh37 (hg19) VCF-style: chr4-10023024-C-T.
Other names: c.64-2327G>A (NM_001001290.2); c.30G>A (NM_020041.2).
Identifiers: ClinVar variation 1109344 (VCV001109344.9), dbSNP rs147368076, ClinGen allele CA2857371.